The following is an entry in ClinVar:

ClinVar aggregate classification (germline): Uncertain significance (1 of 4 stars; one submission).

Conditions:
DICER1-related tumor predisposition. Also called: DICER1 syndrome; DICER1-related pleuropulmonary blastoma cancer predisposition syndrome. Identifiers: Orphanet 284343, MedGen C3839822, MONDO:0100216.

Submission:

Labcorp Genetics (formerly Invitae), Labcorp
Classification: Uncertain significance for DICER1-related tumor predisposition. Last evaluated: 2019-05-29. Review status: criteria provided, single submitter. Criteria: Invitae Variant Classification Sherloc (09022015). Collection method: clinical testing. Allele origin: germline.
Comment: This sequence change replaces asparagine with lysine at codon 1616 of the DICER1 protein (p.Asn1616Lys). The asparagine residue is weakly conserved and there is a moderate physicochemical difference between asparagine and lysine. This variant is not present in population databases (ExAC no frequency). This variant has not been reported in the literature in individuals with DICER1-related conditions. Algorithms developed to predict the effect of missense changes on protein structure and function (SIFT, PolyPhen-2, Align-GVGD) all suggest that this variant is likely to be tolerated, but these predictions have not been confirmed by published functional studies and their clinical significance is uncertain. In summary, the available evidence is currently insufficient to determine the role of this variant in disease. Therefore, it has been classified as a Variant of Uncertain Significance.

NM_177438.3(DICER1):c.4848C>G (p.Asn1616Lys)

Gene: DICER1 (dicer 1, ribonuclease III; minus strand). Cytogenetic location: 14q32.13.
Variant type: single nucleotide variant.
Coding change: c.4848C>G on transcript NM_177438.3 (MANE Select); coding-DNA position 4848, C replaced by G.
Protein change: p.Asn1616Lys; replaces asparagine 1616 with lysine.
Molecular consequence: missense variant.
Genome position (GRCh38, 1-based): chr14:95,096,072, G>C on the plus strand (C>G on the coding strand, the complement: DICER1 is on the minus strand). VCF-style: chr14-95096072-G-C. GRCh37 (hg19) VCF-style: chr14-95562409-G-C.
Other names: c.4848C>G, p.Asn1616Lys (NM_001195573.1, NM_001271282.3, NM_001291628.2 and 1 more transcripts); short protein forms N1616K.
Identifiers: ClinVar variation 952007 (VCV000952007.11), dbSNP rs1890294315, ClinGen allele CA390866765.